The following is an entry in ClinVar:

NM_000179.3(MSH6):c.2983G>C (p.Glu995Gln)

Gene: MSH6 (mutS homolog 6; plus strand). Cytogenetic location: 2p16.3.
Variant type: single nucleotide variant.
Coding change: c.2983G>C on transcript NM_000179.3 (MANE Select); coding-DNA position 2983, G replaced by C.
Protein change: p.Glu995Gln; replaces glutamic acid 995 with glutamine.
Molecular consequence: missense variant.
Genome position (GRCh38, 1-based): chr2:47,800,966, G>C. VCF-style: chr2-47800966-G-C. GRCh37 (hg19) VCF-style: chr2-48028105-G-C.
Other names: c.2593G>C, p.Glu865Gln (NM_001281492.2); c.2077G>C, p.Glu693Gln (NM_001281493.2, NM_001281494.2); short protein forms E995Q, E693Q, E865Q.
Identifiers: ClinVar variation 483787 (VCV000483787.20), dbSNP rs63750258, ClinGen allele CA346756363.

ClinVar aggregate classification (germline): Uncertain significance. Review status: criteria provided, multiple submitters, no conflicts (2 of 4 stars). 5 submissions from 5 submitters: Uncertain significance (5). Last evaluated 2025-12-27.

Conditions:
Hereditary cancer-predisposing syndrome. Also called: Neoplastic Syndromes, Hereditary; Tumor predisposition; Hereditary Cancer Syndrome; Hereditary neoplastic syndrome. Identifiers: Orphanet 140162, MedGen C0027672, MeSH D009386, MONDO:0015356.
Lynch syndrome. Identifiers: Orphanet 144, MedGen C4552100, MONDO:0005835. Disease mechanism: loss of function.
Hereditary nonpolyposis colorectal neoplasms. Identifiers: MedGen C0009405, MeSH D003123.

gnomAD v4.1: 3 of 1,562,720 alleles (0.00019%); highest among the groups gnomAD compares: East Asian, 0.0067%; no homozygotes.

Submissions (5):

Labcorp Genetics (formerly Invitae), Labcorp
Classification: Uncertain significance for Hereditary nonpolyposis colorectal neoplasms. Last evaluated: 2025-12-27. Review status: criteria provided, single submitter. Criteria: Invitae Variant Classification Sherloc (09022015). Collection method: clinical testing. Allele origin: germline.
Comment: This sequence change replaces glutamic acid, which is acidic and polar, with glutamine, which is neutral and polar, at codon 995 of the MSH6 protein (p.Glu995Gln). This variant is not present in population databases (gnomAD no frequency). This missense change has been observed in individual(s) with MSH6-related conditions (PMID: 36243179). ClinVar contains an entry for this variant (Variation ID: 483787). Invitae Evidence Modeling of protein sequence and biophysical properties (such as structural, functional, and spatial information, amino acid conservation, physicochemical variation, residue mobility, and thermodynamic stability) indicates that this missense variant is not expected to disrupt MSH6 protein function with a negative predictive value of 95%. In summary, the available evidence is currently insufficient to determine the role of this variant in disease. Therefore, it has been classified as a Variant of Uncertain Significance.

Color Diagnostics, LLC DBA Color Health
Classification: Uncertain significance for Hereditary cancer-predisposing syndrome. Last evaluated: 2025-09-05. Review status: criteria provided, single submitter. Criteria: ACMG Guidelines, 2015. Collection method: clinical testing. Allele origin: germline.
Comment: This missense variant replaces glutamic acid with glutamine at codon 995 of the MSH6 protein. Computational prediction is inconclusive regarding the impact of this variant on protein structure and function. To our knowledge, functional studies have not been reported for this variant. This variant has not been reported in individuals affected with MSH6-related disorders in the literature. This variant has not been identified in the general population by the Genome Aggregation Database (gnomAD). The available evidence is insufficient to determine the role of this variant in disease conclusively. Therefore, this variant is classified as a Variant of Uncertain Significance.

Ambry Genetics
Classification: Uncertain significance for Hereditary cancer-predisposing syndrome. Last evaluated: 2025-01-18. Review status: criteria provided, single submitter. Criteria: Ambry Variant Classification Scheme 2023. Collection method: clinical testing. Allele origin: germline.
Comment: The p.E995Q variant (also known as c.2983G>C), located in coding exon 4 of the MSH6 gene, results from a G to C substitution at nucleotide position 2983. The glutamic acid at codon 995 is replaced by glutamine, an amino acid with highly similar properties. This amino acid position is well conserved in available vertebrate species. In addition, the in silico prediction for this alteration is inconclusive. Since supporting evidence is limited at this time, the clinical significance of this alteration remains unclear.

All of Us Research Program, National Institutes of Health
Classification: Uncertain significance for Lynch syndrome. Last evaluated: 2023-05-16. Review status: criteria provided, single submitter. Criteria: ACMG Guidelines, 2015. Collection method: clinical testing. Allele origin: germline. Inheritance: Autosomal dominant inheritance. Observed: 1 variant allele, 1 heterozygote.
Comment: This missense variant replaces glutamic acid with glutamine at codon 995 of the MSH6 protein. Computational prediction is inconclusive regarding the impact of this variant on protein structure and function (internally defined REVEL score threshold 0.5 < inconclusive < 0.7, PMID: 27666373). To our knowledge, functional studies have not been reported for this variant. This variant has not been reported in individuals affected with MSH6-related disorders in the literature. This variant has not been identified in the general population by the Genome Aggregation Database (gnomAD). The available evidence is insufficient to determine the role of this variant in disease conclusively. Therefore, this variant is classified as a Variant of Uncertain Significance.

This study involves interpretation of variants in research participants for the purpose of population health screening. Participant phenotype was not available at the time of variant classification. Additional details can be found in publication PMID: 35346344, PMCID: PMC8962531

Women's Health and Genetics/Laboratory Corporation of America, LabCorp
Classification: Uncertain significance. Last evaluated: 2021-02-25. Review status: criteria provided, single submitter. Criteria: LabCorp Variant Classification Summary - May 2015. Collection method: clinical testing. Allele origin: germline.
Comment: Variant summary: MSH6 c.2983G>C (p.Glu995Gln) results in a conservative amino acid change located in the DNA mismatch repair protein MutS, core domain (IPR007696) of the encoded protein sequence. Three of five in-silico tools predict a damaging effect of the variant on protein function. The variant was absent in 208782 control chromosomes (gnomAD). The available data on variant occurrences in the general population are insufficient to allow any conclusion about variant significance. To our knowledge, no occurrence of c.2983G>C in individuals affected with Lynch Syndrome and no experimental evidence demonstrating its impact on protein function have been reported. Three ClinVar submitters (evaluation after 2014) cite the variant as uncertain significance. Based on the evidence outlined above, the variant was classified as uncertain significance.

Literature cited by the submitters: PubMed 36243179 (cited by Labcorp Genetics (formerly Invitae), Labcorp).